The following is an entry in ClinVar:

NM_020442.6(VARS2):c.2662G>T (p.Ala888Ser)

Gene: VARS2 (valyl-tRNA synthetase 2, mitochondrial; plus strand). Cytogenetic location: 6p21.33.
Variant type: single nucleotide variant.
Coding change: c.2662G>T on transcript NM_020442.6 (MANE Select); coding-DNA position 2662, G replaced by T.
Protein change: p.Ala888Ser; replaces alanine 888 with serine.
Molecular consequence: missense variant.
Genome position (GRCh38, 1-based): chr6:30,924,549, G>T. VCF-style: chr6-30924549-G-T. GRCh37 (hg19) VCF-style: chr6-30892326-G-T.
Other names: c.2242G>T, p.Ala748Ser (NM_001167733.3); c.2752G>T, p.Ala918Ser (NM_001167734.2); short protein forms A748S, A918S, A888S.
Identifiers: ClinVar variation 1950772 (VCV001950772.5), dbSNP rs752136645, ClinGen allele CA363177296.

ClinVar aggregate classification (germline): Uncertain significance (1 of 4 stars; one submission).

gnomAD v4.1: 4 of 1,530,548 alleles (0.00026%); highest among the groups gnomAD compares: Admixed American, 0.0078%; no homozygotes.

Submission:

Labcorp Genetics (formerly Invitae), Labcorp
Classification: Uncertain significance. Last evaluated: 2024-12-03. Review status: criteria provided, single submitter. Criteria: Invitae Variant Classification Sherloc (09022015). Collection method: clinical testing. Allele origin: germline.
Comment: This sequence change replaces alanine, which is neutral and non-polar, with serine, which is neutral and polar, at codon 918 of the VARS2 protein (p.Ala918Ser). The frequency data for this variant in the population databases is considered unreliable, as metrics indicate poor data quality at this position in the gnomAD database. This variant has not been reported in the literature in individuals affected with VARS2-related conditions. ClinVar contains an entry for this variant (Variation ID: 1950772). Invitae Evidence Modeling of protein sequence and biophysical properties (such as structural, functional, and spatial information, amino acid conservation, physicochemical variation, residue mobility, and thermodynamic stability) indicates that this missense variant is not expected to disrupt VARS2 protein function with a negative predictive value of 80%. In summary, the available evidence is currently insufficient to determine the role of this variant in disease. Therefore, it has been classified as a Variant of Uncertain Significance.